The following is an entry in ClinVar:

ClinVar aggregate classification (germline): Uncertain significance (1 of 4 stars; one submission).

Conditions:
PLXNA4-related disorder. Also called: PLXNA4-related condition.

gnomAD v4.1: 14 of 1,613,946 alleles (0.00087%); highest among the groups gnomAD compares: Admixed American, 0.0017%; no homozygotes.

Submission:

PreventionGenetics, part of Exact Sciences
Classification: Uncertain significance for PLXNA4-related condition. Last evaluated: 2025-09-25. Review status: criteria provided, single submitter. Criteria: ACMG Guidelines, 2015. Collection method: clinical testing. Allele origin: germline.
Comment: The PLXNA4 c.5285A>G variant is predicted to result in the amino acid substitution p.His1762Arg. To our knowledge, this variant has not been reported in the literature. This variant is reported in 0.0029% of alleles in individuals of Latino descent in gnomAD. At this time, the clinical significance of this variant is uncertain due to the absence of conclusive functional and genetic evidence.

NM_020911.2(PLXNA4):c.5285A>G (p.His1762Arg)

Gene: PLXNA4 (plexin A4; minus strand). Cytogenetic location: 7q32.3.
Variant type: single nucleotide variant.
Coding change: c.5285A>G on transcript NM_020911.2 (MANE Select); coding-DNA position 5285, A replaced by G.
Protein change: p.His1762Arg; replaces histidine 1762 with arginine.
Molecular consequence: missense variant.
Genome position (GRCh38, 1-based): chr7:132,140,752, T>C on the plus strand (A>G on the coding strand, the complement: PLXNA4 is on the minus strand). VCF-style: chr7-132140752-T-C. GRCh37 (hg19) VCF-style: chr7-131825511-T-C.
Other names: c.5285A>G, p.His1762Arg (NM_001393897.1); short protein forms H1762R.
Identifiers: ClinVar variation 4998618 (VCV004998618.1).
Genomic context (GRCh38, chr7:132,140,752, plus strand): 5'-CAAGAGTCCATGAAGGTCTGAGCCACCACAGAGAGGCAGGCGTCTGTGATGCTGTTCTTA[T>C]GGATGTCAAACACAAACTGCGGGTTCTTGATCATGTTGACCCAAAACCTCAGGGGCAGGC-3'
Protein context (NP_065962.1, residues 1752-1772): IKNPQFVFDI[His1762Arg]KNSITDACLS